The following is an entry in ClinVar:

NM_001379270.1(CNGA1):c.179del (p.Gly60fs)

Genes: CNGA1 (cyclic nucleotide gated channel subunit alpha 1; minus strand), LOC101927157 (uncharacterized LOC101927157; plus strand). Cytogenetic location: 4p12.
Variant type: Deletion.
Coding change: c.179del on transcript NM_001379270.1 (MANE Select); coding-DNA position 179, one base deleted (G; older notation c.179delG).
Protein change: p.Gly60fs; shifts the reading frame from glycine 60.
Molecular consequence: frameshift variant.
Genome position (GRCh38, 1-based): chr4:47,951,398, C deleted on the plus strand (G on the coding strand, the reverse complement: CNGA1 is on the minus strand); the first of 4 consecutive C bases (chr4:47,951,398-47,951,401); deleting any one gives the same sequence. VCF-style (leftmost placement, unchanged base first): chr4-47951397-AC-A. GRCh37 (hg19) VCF-style: chr4-47953414-AC-A.
Other names: c.398delG (NM_001142564.1); c.179del, p.Gly60fs (NM_000087.5, NM_001142564.2); short protein forms G60fs.
Identifiers: ClinVar variation 143099 (VCV000143099.5), dbSNP rs527236058, ClinGen allele CA270048.

ClinVar aggregate classification (germline): Pathogenic. Review status: criteria provided, multiple submitters, no conflicts (2 of 4 stars). 5 submissions from 5 submitters: Pathogenic (3). 2 of the submissions do not count toward it. Last evaluated 2025-05-10.

Conditions:
Retinitis pigmentosa (RP). Identifiers: Orphanet 791, MedGen C0035334, MeSH D012174, MONDO:0019200, OMIM 268000. Inheritance: Autosomal dominant, autosomal recessive and X linked inheritance.
Retinitis pigmentosa 49 (RP49). Identifiers: Orphanet 791, MedGen C3151059, MONDO:0013405, OMIM 613756.

Submissions (5):

3billion
Classification: Pathogenic for Retinitis pigmentosa 49. Last evaluated: 2025-05-10. Review status: criteria provided, single submitter. Criteria: ACMG Guidelines, 2015. Collection method: clinical testing. Allele origin: germline. Affected: yes.
Comment: The variant is observed at an extremely low frequency in the gnomAD v4.1.0 dataset (total allele frequency: 0.001%). Predicted Consequence/Location: Frameshift: predicted to result in a loss or disruption of normal protein function through nonsense-mediated decay (NMD) or protein truncation. Multiple pathogenic variants are reported downstream of the variant. The variant has been reported to be in trans with a pathogenic variant as either compound heterozygous or homozygous in at least one similarly affected unrelated individual (3billion dataset). The variant has been reported at least twice as pathogenic without evidence for the classification (ClinVar ID: VCV000143099 /PMID: 25268133 /3billion dataset). Therefore, this variant is classified as Pathogenic according to the recommendation of ACMG/AMP guideline.

GeneDx
Classification: Pathogenic. Last evaluated: 2018-07-19. Review status: criteria provided, single submitter. Criteria: GeneDx Variant Classification (06012015). Collection method: clinical testing. Allele origin: germline. Affected: yes.
Comment: The c.191delG variant in the CNGA1 gene has been reported previously in the homozygous state in at least two individuals with retinitis pigmentosa (Katagiri et al., 2014). This variant causes a frameshift starting with codon Glycine 64, changes this amino acid to a Valine residue, and creates a premature Stop codon at position 29 of the new reading frame, denoted p.Gly64ValfsX29. This variant is predicted to cause loss of normal protein function either through protein truncation or nonsense-mediated mRNA decay. The c.191delG variant is observed in 5/17244 (0.029%) alleles from individuals of East Asian background in large population cohorts, with no homozygotes reported (Lek et al., 2016). We interpret c.191delG as a pathogenic variant.

Soonchunhyang University Bucheon Hospital, Soonchunhyang University Medical Center
Classification: Pathogenic for Retinitis pigmentosa 49. Last evaluated: 2016-03-18. Review status: criteria provided, single submitter. Criteria: ACMG Guidelines, 2015. Collection method: reference population. Allele origin: germline. Observed: 1 variant allele.

OMIM
Classification: Pathogenic for RETINITIS PIGMENTOSA 49. Last evaluated: 2023-02-23. Review status: no assertion criteria provided. Collection method: literature only. Allele origin: germline. Not counted in ClinVar's aggregate classification.

Department of Ophthalmology and Visual Sciences Kyoto University
Classification: Likely pathogenic for Retinitis pigmentosa. Review status: no assertion criteria provided. Collection method: not provided. Allele origin: unknown. Not counted in ClinVar's aggregate classification.
ClinVar note: Converted during submission from probable-pathogenic to Likely pathogenic.

Literature cited by the submitters: PubMed 25268133 (cited by 3 submitters); PubMed 7479749 (cited by Soonchunhyang University Bucheon Hospital, Soonchunhyang University Medical Center).